The following is an entry in ClinVar:

ClinVar aggregate classification (germline): Uncertain significance. Review status: criteria provided, multiple submitters, no conflicts (2 of 4 stars). 2 submissions from 2 submitters: Uncertain significance (2). Last evaluated 2024-04-16.

Conditions:
Hereditary cancer-predisposing syndrome. Also called: Neoplastic Syndromes, Hereditary; Hereditary Cancer Syndrome; Hereditary neoplastic syndrome; Tumor predisposition. Identifiers: Orphanet 140162, MedGen C0027672, MeSH D009386, MONDO:0015356.
BAP1-related tumor predisposition syndrome (TPDS1). Also called: COMMON Syndrome; TUMOR PREDISPOSITION SYNDROME 1; Tumor susceptibility linked to germline BAP1 mutations; BAP1 tumor predisposition syndrome. Identifiers: Orphanet 289539, MedGen C3280492, MONDO:0013692, OMIM 614327.

Submissions (2):

Labcorp Genetics (formerly Invitae), Labcorp
Classification: Uncertain significance for BAP1-related tumor predisposition syndrome. Last evaluated: 2024-04-16. Review status: criteria provided, single submitter. Criteria: Invitae Variant Classification Sherloc (09022015). Collection method: clinical testing. Allele origin: germline.
Comment: This sequence change replaces alanine, which is neutral and non-polar, with valine, which is neutral and non-polar, at codon 634 of the BAP1 protein (p.Ala634Val). This variant is not present in population databases (gnomAD no frequency). This variant has not been reported in the literature in individuals affected with BAP1-related conditions. ClinVar contains an entry for this variant (Variation ID: 1437913). Advanced modeling of protein sequence and biophysical properties (such as structural, functional, and spatial information, amino acid conservation, physicochemical variation, residue mobility, and thermodynamic stability) performed at Invitae indicates that this missense variant is expected to disrupt BAP1 protein function with a positive predictive value of 80%. In summary, the available evidence is currently insufficient to determine the role of this variant in disease. Therefore, it has been classified as a Variant of Uncertain Significance.

Ambry Genetics
Classification: Uncertain significance for Hereditary cancer-predisposing syndrome. Last evaluated: 2024-02-22. Review status: criteria provided, single submitter. Criteria: Ambry Variant Classification Scheme 2023. Collection method: clinical testing. Allele origin: germline.
Comment: The p.A634V variant (also known as c.1901C>T), located in coding exon 15 of the BAP1 gene, results from a C to T substitution at nucleotide position 1901. The alanine at codon 634 is replaced by valine, an amino acid with similar properties. This amino acid position is conserved. In addition, this alteration is predicted to be tolerated by in silico analysis. Based on the available evidence, the clinical significance of this alteration remains unclear.

NM_004656.4(BAP1):c.1901C>T (p.Ala634Val)

Gene: BAP1 (BRCA1 associated deubiquitinase 1; minus strand). Cytogenetic location: 3p21.1.
Variant type: single nucleotide variant.
Coding change: c.1901C>T on transcript NM_004656.4 (MANE Select); coding-DNA position 1901, C replaced by T.
Protein change: p.Ala634Val; replaces alanine 634 with valine.
Molecular consequence: missense variant.
Genome position (GRCh38, 1-based): chr3:52,402,861, G>A on the plus strand (C>T on the coding strand, the complement: BAP1 is on the minus strand). VCF-style: chr3-52402861-G-A. GRCh37 (hg19) VCF-style: chr3-52436877-G-A.
Other names: c.1901C>T (NM_004656.2); short protein forms A634V.
Identifiers: ClinVar variation 1437913 (VCV001437913.9), dbSNP rs2153226336, ClinGen allele CA353096942.